The following is an entry in ClinVar:

ClinVar aggregate classification (germline): Likely pathogenic (1 of 4 stars; one submission).

Submission:

Labcorp Genetics (formerly Invitae), Labcorp
Classification: Likely pathogenic. Last evaluated: 2021-11-17. Review status: criteria provided, single submitter. Criteria: Invitae Variant Classification Sherloc (09022015). Collection method: clinical testing. Allele origin: germline.
Comment: In summary, the currently available evidence indicates that the variant is pathogenic, but additional data are needed to prove that conclusively. Therefore, this variant has been classified as Likely Pathogenic. Algorithms developed to predict the effect of sequence changes on RNA splicing suggest that this variant may disrupt the consensus splice site. This variant has not been reported in the literature in individuals affected with LAMB3-related conditions. This variant is not present in population databases (gnomAD no frequency). This sequence change affects an acceptor splice site in intron 17 of the LAMB3 gene. It is expected to disrupt RNA splicing. Variants that disrupt the donor or acceptor splice site typically lead to a loss of protein function (PMID: 16199547), and loss-of-function variants in LAMB3 are known to be pathogenic (PMID: 11023379, 16473856).

Literature cited by the submitters: PubMed 16199547; PubMed 11023379; PubMed 16473856.

NM_000228.3(LAMB3):c.2557-1G>C

Gene: LAMB3 (laminin subunit beta 3; minus strand). Cytogenetic location: 1q32.2.
Variant type: single nucleotide variant.
Coding change: c.2557-1G>C on transcript NM_000228.3 (MANE Select); the canonical splice acceptor site of the intron before coding-DNA position 2557, G replaced by C.
Molecular consequence: splice acceptor variant.
Genome position (GRCh38, 1-based): chr1:209,622,681, C>G on the plus strand (G>C on the coding strand, the complement: LAMB3 is on the minus strand). VCF-style: chr1-209622681-C-G. GRCh37 (hg19) VCF-style: chr1-209796026-C-G.
Other names: c.2557-1G>C (NM_001127641.1, NM_001017402.2).
Identifiers: ClinVar variation 1346344 (VCV001346344.6), dbSNP rs2102413223, ClinGen allele CA344587706.